The following is an entry in ClinVar:

ClinVar aggregate classification (germline): Uncertain significance (1 of 4 stars; one submission).

Allele frequency attached by ClinVar (database versions not stated): 1000 Genomes Project 0.00020; 1000 Genomes Project 30x 0.00031.
gnomAD v4.1: 11 of 1,614,244 alleles (0.00068%); highest among the groups gnomAD compares: East Asian, 0.022%; no homozygotes.

Submission:

Labcorp Genetics (formerly Invitae), Labcorp
Classification: Uncertain significance. Last evaluated: 2024-05-30. Review status: criteria provided, single submitter. Criteria: Invitae Variant Classification Sherloc (09022015). Collection method: clinical testing. Allele origin: germline.
Comment: This sequence change replaces alanine, which is neutral and non-polar, with proline, which is neutral and non-polar, at codon 711 of the SLC7A14 protein (p.Ala711Pro). This variant is present in population databases (rs549360635, gnomAD 0.02%). This variant has not been reported in the literature in individuals affected with SLC7A14-related conditions. An algorithm developed to predict the effect of missense changes on protein structure and function (PolyPhen-2) suggests that this variant is likely to be tolerated. In summary, the available evidence is currently insufficient to determine the role of this variant in disease. Therefore, it has been classified as a Variant of Uncertain Significance.

NM_020949.3(SLC7A14):c.2131G>C (p.Ala711Pro)

Gene: SLC7A14 (solute carrier family 7 member 14; minus strand). Cytogenetic location: 3q26.2.
Variant type: single nucleotide variant.
Coding change: c.2131G>C on transcript NM_020949.3 (MANE Select); coding-DNA position 2131, G replaced by C.
Protein change: p.Ala711Pro; replaces alanine 711 with proline.
Molecular consequence: missense variant.
Genome position (GRCh38, 1-based): chr3:170,467,240, C>G on the plus strand (G>C on the coding strand, the complement: SLC7A14 is on the minus strand). VCF-style: chr3-170467240-C-G. GRCh37 (hg19) VCF-style: chr3-170185028-C-G.
Other names: short protein forms A711P.
Identifiers: ClinVar variation 2882578 (VCV002882578.3), dbSNP rs549360635, ClinGen allele CA2701498.